The following is an entry in ClinVar:

NM_003072.5(SMARCA4):c.1940dup (p.Tyr649fs)

Gene: SMARCA4 (SWI/SNF related BAF chromatin remodeling complex subunit ATPase 4; plus strand). Cytogenetic location: 19p13.2.
Variant type: Duplication.
Coding change: c.1940dup on transcript NM_003072.5 (MANE Select); coding-DNA position 1940, one base duplicated (C; older notation c.1940dupC).
Protein change: p.Tyr649fs; shifts the reading frame from tyrosine 649.
Molecular consequence: frameshift variant. On other transcripts: non-coding transcript variant (1).
Genome position (GRCh38, 1-based): chr19:11,003,156, C duplicated; the last of 3 consecutive C bases (chr19:11,003,154-11,003,156); duplicating any one gives the same sequence. VCF-style (leftmost placement, unchanged base first): chr19-11003153-A-AC. GRCh37 (hg19) VCF-style: chr19-11113829-A-AC.
Other names: c.1940dup, p.Tyr649fs (NM_001128844.3, NM_001128845.2, NM_001128846.2 and 6 more transcripts); short protein forms Y649fs.
Identifiers: ClinVar variation 3446015 (VCV003446015.1).

ClinVar aggregate classification (germline): Pathogenic (1 of 4 stars; one submission).

Conditions:
Hereditary cancer-predisposing syndrome. Also called: Tumor predisposition; Neoplastic Syndromes, Hereditary; Hereditary neoplastic syndrome; Hereditary Cancer Syndrome. Identifiers: Orphanet 140162, MedGen C0027672, MeSH D009386, MONDO:0015356.

Submission:

Ambry Genetics
Classification: Pathogenic for Hereditary cancer-predisposing syndrome. Last evaluated: 2024-10-25. Review status: criteria provided, single submitter. Criteria: Ambry Variant Classification Scheme 2023. Collection method: clinical testing. Allele origin: germline.
Comment: The c.1940dupC pathogenic mutation, located in coding exon 11 of the SMARCA4 gene, results from a duplication of C at nucleotide position 1940, causing a translational frameshift with a predicted alternate stop codon (p.Y649Vfs*2). This variant is considered to be rare based on population cohorts in the Genome Aggregation Database (gnomAD). This alteration is expected to result in loss of function by premature protein truncation or nonsense-mediated mRNA decay. Loss-of-function variants in SMARCA4 are known to cause rhabdoid tumor predisposition syndrome including small cell carcinoma of the ovary-hypercalcemic type (SCCOHT); however, such associations with neurodevelopmental disorders are exceedingly rare (Kosho T et al. Am J Med Genet C Semin Med Genet. 2014 Sep;166C(3):262-75; Jelinic P et al. Nat Genet. 2014 May;46(5):424-6). Based on the supporting evidence, this alteration is pathogenic for rhabdoid tumor predisposition syndrome; however, the association of this alteration with Coffin-Siris syndrome is unlikely.